The following is an entry in ClinVar:

NM_182943.3(PLOD2):c.1559dup (p.Val523fs)

Gene: PLOD2 (procollagen-lysine,2-oxoglutarate 5-dioxygenase 2; minus strand). Cytogenetic location: 3q24.
Variant type: Duplication.
Coding change: c.1559dup on transcript NM_182943.3 (MANE Select); coding-DNA position 1559, one base duplicated (C; older notation c.1559dupC).
Protein change: p.Val523fs; shifts the reading frame from valine 523.
Molecular consequence: frameshift variant. On other transcripts: intron variant (1).
Genome position (GRCh38, 1-based): chr3:146,077,866, G duplicated on the plus strand (C on the coding strand, the reverse complement: PLOD2 is on the minus strand); the first of 6 consecutive G bases (chr3:146,077,866-146,077,871); duplicating any one gives the same sequence. VCF-style (leftmost placement, unchanged base first): chr3-146077865-T-TG. GRCh37 (hg19) VCF-style: chr3-145795652-T-TG.
Other names: c.1559dupC (NM_182943.2, NM_182943.3); c.1501-971dup (NM_000935.3); short protein forms V523fs.
Identifiers: ClinVar variation 41424 (VCV000041424.6), dbSNP rs749709000, ClinGen allele CA2654846.
Genomic context (GRCh38, chr3:146,077,865, plus strand): 5'-ATATACTATATCAAATATTAAATAAACAAAAATAAATAAAATAAGTAAAAATAACACCTT[T>TG]GGGGGGCTGAGCATTTGGAATGTTTCCGGAGTAGGGGAGTCTTTTTCCCTTTGTAAAGTC-3'

ClinVar aggregate classification (germline): Pathogenic. Review status: criteria provided, multiple submitters, no conflicts (2 of 4 stars). 3 submissions from 3 submitters: Pathogenic (2). 1 of the submissions does not count toward it. Last evaluated 2026-01-28.

Conditions:
Osteogenesis imperfecta (OI). Identifiers: Orphanet 666, MedGen C0029434, MeSH D010013, MONDO:0019019.
Bruck syndrome 2 (BRKS2). Also called: OSTEOGENESIS IMPERFECTA WITH CONGENITAL JOINT CONTRACTURES. Identifiers: Orphanet 2771, MedGen C1836602, MONDO:0012217, OMIM 609220.

Submissions (3):

Labcorp Genetics (formerly Invitae), Labcorp
Classification: Pathogenic. Last evaluated: 2026-01-28. Review status: criteria provided, single submitter. Criteria: Invitae Variant Classification Sherloc (09022015). Collection method: clinical testing. Allele origin: germline.
Comment: This sequence change creates a premature translational stop signal (p.Val523Cysfs*7) in the PLOD2 gene. It is expected to result in an absent or disrupted protein product. Loss-of-function variants in PLOD2 are known to be pathogenic (PMID: 22689593, 25238597, 29178448). This variant is present in population databases (rs749709000, gnomAD 0.008%). This premature translational stop signal has been observed in individual(s) with Bruck syndrome (PMID: 22689593, 35278031). ClinVar contains an entry for this variant (Variation ID: 41424). For these reasons, this variant has been classified as Pathogenic.

Women's Health and Genetics/Laboratory Corporation of America, LabCorp
Classification: Pathogenic for Osteogenesis imperfecta. Last evaluated: 2024-10-14. Review status: criteria provided, single submitter. Criteria: LabCorp Variant Classification Summary - May 2015. Collection method: clinical testing. Allele origin: germline.
Comment: Variant summary: PLOD2 c.1559dupC (p.Val523CysfsX7) results in a premature termination codon, predicted to cause a truncation of the encoded protein or absence of the protein due to nonsense mediated decay, which are commonly known mechanisms for disease. The variant allele was found at a frequency of 8e-06 in 248858 control chromosomes (gnomAD). c.1559dupC has been reported in the literature in individuals affected with PLOD2-related conditions (example: Otaify_2022). These data indicate that the variant is likely to be associated with disease. To our knowledge, no experimental evidence demonstrating an impact on protein function has been reported. The following publication has been ascertained in the context of this evaluation (PMID: 35278031). ClinVar contains an entry for this variant (Variation ID: 41424). Based on the evidence outlined above, the variant was classified as pathogenic.

OMIM
Classification: Pathogenic for BRUCK SYNDROME 2. Last evaluated: 2012-10-01. Review status: no assertion criteria provided. Collection method: literature only. Allele origin: germline. Not counted in ClinVar's aggregate classification.

Literature cited by the submitters: PubMed 22689593 (cited by Labcorp Genetics (formerly Invitae), Labcorp and OMIM); PubMed 25238597 (cited by Labcorp Genetics (formerly Invitae), Labcorp); PubMed 29178448 (cited by Labcorp Genetics (formerly Invitae), Labcorp); PubMed 35278031 (cited by Labcorp Genetics (formerly Invitae), Labcorp and Women's Health and Genetics/Laboratory Corporation of America, LabCorp).